The following is an entry in ClinVar:

ClinVar aggregate classification (germline): Uncertain significance. Review status: criteria provided, multiple submitters, no conflicts (2 of 4 stars). 2 submissions from 2 submitters: Uncertain significance (2). Last evaluated 2026-02-01.

Allele frequency attached by ClinVar (database versions not stated): gnomAD 0.00002 and 0.00003; TOPMed 0.00002; ESP Exome Variant Server 0.00008.
gnomAD v4.1: 18 of 1,613,562 alleles (0.0011%); highest among the groups gnomAD compares: Non-Finnish European, 0.0015%; no homozygotes.

Submissions (2):

Labcorp Genetics (formerly Invitae), Labcorp
Classification: Uncertain significance. Last evaluated: 2026-02-01. Review status: criteria provided, single submitter. Criteria: Invitae Variant Classification Sherloc (09022015). Collection method: clinical testing. Allele origin: germline.
Comment: This sequence change replaces lysine, which is basic and polar, with glutamine, which is neutral and polar, at codon 323 of the TTLL5 protein (p.Lys323Gln). This variant is not present in population databases (gnomAD no frequency). This variant has not been reported in the literature in individuals affected with TTLL5-related conditions. ClinVar contains an entry for this variant (Variation ID: 1522084). Invitae Evidence Modeling of protein sequence and biophysical properties (such as structural, functional, and spatial information, amino acid conservation, physicochemical variation, residue mobility, and thermodynamic stability) has been performed for this missense variant. However, the output from this modeling did not meet the statistical confidence thresholds required to predict the impact of this variant on TTLL5 protein function. In summary, the available evidence is currently insufficient to determine the role of this variant in disease. Therefore, it has been classified as a Variant of Uncertain Significance.

Blueprint Genetics
Classification: Uncertain significance. Last evaluated: 2022-10-24. Review status: criteria provided, single submitter. Criteria: ACMG Guidelines, 2015. Collection method: clinical testing. Allele origin: germline.

NM_015072.5(TTLL5):c.967A>C (p.Lys323Gln)

Gene: TTLL5 (tubulin tyrosine ligase like 5; plus strand). Cytogenetic location: 14q24.3.
Variant type: single nucleotide variant.
Coding change: c.967A>C on transcript NM_015072.5 (MANE Select); coding-DNA position 967, A replaced by C.
Protein change: p.Lys323Gln; replaces lysine 323 with glutamine.
Molecular consequence: missense variant.
Genome position (GRCh38, 1-based): chr14:75,720,628, A>C. VCF-style: chr14-75720628-A-C. GRCh37 (hg19) VCF-style: chr14-76186971-A-C.
Other names: short protein forms K323Q.
Identifiers: ClinVar variation 1522084 (VCV001522084.7), dbSNP rs375373706, ClinGen allele CA263690903.